The following is an entry in ClinVar:

NM_002907.4(RECQL):c.1837A>G (p.Lys613Glu)

Genes: PYROXD1 (pyridine nucleotide-disulphide oxidoreductase domain 1; plus strand), RECQL (RecQ like helicase; minus strand). Cytogenetic location: 12p12.1.
Variant type: single nucleotide variant.
Coding change: c.1837A>G on transcript NM_002907.4 (MANE Select); coding-DNA position 1837, A replaced by G.
Protein change: p.Lys613Glu; replaces lysine 613 with glutamic acid.
Molecular consequence: missense variant. On other transcripts: 3 prime UTR variant (3).
Genome position (GRCh38, 1-based): chr12:21,470,307, T>C on the plus strand (A>G on the coding strand, the complement: RECQL is on the minus strand). VCF-style: chr12-21470307-T-C. GRCh37 (hg19) VCF-style: chr12-21623241-T-C.
Other names: c.1837A>G, p.Lys613Glu (NM_032941.3); c.*1553T>C (NM_001350912.2, NM_001350913.2, NM_024854.5); short protein forms K613E.
Identifiers: ClinVar variation 2624703 (VCV002624703.2), dbSNP rs2540306351, ClinGen allele CA384113925.

ClinVar aggregate classification (germline): Uncertain significance (1 of 4 stars; one submission).

Submission:

Ambry Genetics
Classification: Uncertain significance. Last evaluated: 2023-06-24. Review status: criteria provided, single submitter. Criteria: Ambry Variant Classification Scheme 2023. Collection method: clinical testing. Allele origin: germline.
Comment: The p.K613E variant (also known as c.1837A>G), located in coding exon 14 of the RECQL gene, results from an A to G substitution at nucleotide position 1837. The lysine at codon 613 is replaced by glutamic acid, an amino acid with similar properties. This amino acid position is conserved. In addition, this alteration is predicted to be tolerated by in silico analysis. Since supporting evidence is limited at this time, the clinical significance of this alteration remains unclear.